The following is an entry in ClinVar:

NM_000081.4(LYST):c.1467del (p.Glu489fs)

Gene: LYST (lysosomal trafficking regulator; minus strand). Cytogenetic location: 1q42.3.
Variant type: Deletion.
Coding change: c.1467del on transcript NM_000081.4 (MANE Select); coding-DNA position 1467, one base deleted (G; older notation c.1467delG).
Protein change: p.Glu489fs; shifts the reading frame from glutamic acid 489.
Molecular consequence: frameshift variant.
Genome position (GRCh38, 1-based): chr1:235,809,351, C deleted on the plus strand (G on the coding strand, the reverse complement: LYST is on the minus strand). VCF-style (leftmost placement, unchanged base first): chr1-235809350-GC-G. GRCh37 (hg19) VCF-style: chr1-235972650-GC-G.
Other names: c.1467del, p.Glu489fs (NM_001301365.1); short protein forms E489fs.
Identifiers: ClinVar variation 3808 (VCV000003808.17), dbSNP rs80338644, ClinGen allele CA116441.
Genomic context (GRCh38, chr1:235,809,350, plus strand): 5'-TAAAATGAGAATATTCACATCGTCTGTGCCTTTTTCTTGTACACATCGAATGATGAAGTT[GC>G]TCTGATTTCACTTTTTTGACAGTGCTCATTATTTTCATCACACTATTTATTAGGGCTTTC-3'

ClinVar aggregate classification (germline): Pathogenic. Review status: criteria provided, multiple submitters, no conflicts (2 of 4 stars). 4 submissions from 4 submitters: Pathogenic (2). 2 of the submissions do not count toward it. Last evaluated 2020-02-20.

Conditions:
Chédiak-Higashi syndrome (CHS). Also called: Chediak-Higashi Syndrome. Identifiers: Orphanet 167, MedGen C0007965, MONDO:0008963, OMIM 214500.
CHEDIAK-HIGASHI SYNDROME, CHILDHOOD TYPE. Identifiers: MedGen C4016992.

Submissions (4):

Revvity Omics, Revvity
Classification: Pathogenic for Chédiak-Higashi syndrome. Last evaluated: 2020-02-20. Review status: criteria provided, single submitter. Criteria: ACMG Guidelines, 2015. Collection method: clinical testing. Allele origin: germline.

Labcorp Genetics (formerly Invitae), Labcorp
Classification: Pathogenic for Chédiak-Higashi syndrome. Last evaluated: 2019-07-15. Review status: criteria provided, single submitter. Criteria: Invitae Variant Classification Sherloc (09022015). Collection method: clinical testing. Allele origin: germline.
Comment: This sequence change creates a premature translational stop signal (p.Glu489Aspfs*78) in the LYST gene. It is expected to result in an absent or disrupted protein product. This variant is not present in population databases (ExAC no frequency). This variant has been observed in an individual affected with Chediak-Higashi syndrome (PMID: 8896560). ClinVar contains an entry for this variant (Variation ID: 3808). Loss-of-function variants in LYST are known to be pathogenic (PMID: 9215679, 11857544). For these reasons, this variant has been classified as Pathogenic.

OMIM
Classification: Pathogenic for CHEDIAK-HIGASHI SYNDROME, CHILDHOOD TYPE. Last evaluated: 1996-11-01. Review status: no assertion criteria provided. Collection method: literature only. Allele origin: germline. Not counted in ClinVar's aggregate classification.

GeneReviews
No classification provided. Condition: Chédiak-Higashi syndrome. Review status: no classification provided. Collection method: literature only. Allele origin: germline. Not counted in ClinVar's aggregate classification.

Literature cited by the submitters: PubMed 8896560 (cited by Labcorp Genetics (formerly Invitae), Labcorp and OMIM); PubMed 9215679 (cited by Labcorp Genetics (formerly Invitae), Labcorp); PubMed 11857544 (cited by Labcorp Genetics (formerly Invitae), Labcorp).